The following is an entry in ClinVar:

ClinVar aggregate classification (germline): Uncertain significance (1 of 4 stars; one submission).

gnomAD v4.1: 1 of 1,613,762 alleles (0.000062%); highest among the groups gnomAD compares: African/African-American, 0.0013%; no homozygotes.

Submission:

Ambry Genetics
Classification: Uncertain significance. Last evaluated: 2026-04-22. Review status: criteria provided, single submitter. Criteria: Ambry Variant Classification Scheme 2023. Collection method: clinical testing. Allele origin: germline.
Comment: The p.G240D variant (also known as c.719G>A), located in coding exon 7 of the SRP72 gene, results from a G to A substitution at nucleotide position 719. The glycine at codon 240 is replaced by aspartic acid, an amino acid with similar properties. This amino acid position is conserved. In addition, this alteration is predicted to be deleterious by in silico analysis. Based on the available evidence, the clinical significance of this variant remains unclear.

NM_006947.4(SRP72):c.719G>A (p.Gly240Asp)

Gene: SRP72 (signal recognition particle 72; plus strand). Cytogenetic location: 4q12.
Variant type: single nucleotide variant.
Coding change: c.719G>A on transcript NM_006947.4 (MANE Select); coding-DNA position 719, G replaced by A.
Protein change: p.Gly240Asp; replaces glycine 240 with aspartic acid.
Molecular consequence: missense variant. On other transcripts: non-coding transcript variant (1), intron variant (1).
Genome position (GRCh38, 1-based): chr4:56,478,455, G>A. VCF-style: chr4-56478455-G-A. GRCh37 (hg19) VCF-style: chr4-57344621-G-A.
Other names: c.642+1753G>A (NM_001267722.2); short protein forms G240D.
Identifiers: ClinVar variation 4865133 (VCV004865133.1).